The following is an entry in ClinVar:

ClinVar aggregate classification (germline): Uncertain significance. Review status: criteria provided, multiple submitters, no conflicts (2 of 4 stars). 2 submissions from 2 submitters: Uncertain significance (2). Last evaluated 2024-12-02.

Conditions:
Inborn genetic diseases. Identifiers: MedGen C0950123, MeSH D030342.

Allele frequency attached by ClinVar (database versions not stated): TOPMed below 0.00001; ExAC 0.00001; gnomAD exomes 0.00001.
gnomAD v4.1: 3 of 1,211,662 alleles (0.00025%); highest among the groups gnomAD compares: Admixed American, 0.0065%; no homozygotes.

Submissions (2):

Ambry Genetics
Classification: Uncertain significance for Inborn genetic diseases. Last evaluated: 2024-12-02. Review status: criteria provided, single submitter. Criteria: Ambry Variant Classification Scheme 2023. Collection method: clinical testing. Allele origin: germline.

Labcorp Genetics (formerly Invitae), Labcorp
Classification: Uncertain significance. Last evaluated: 2022-12-10. Review status: criteria provided, single submitter. Criteria: Invitae Variant Classification Sherloc (09022015). Collection method: clinical testing. Allele origin: germline.
Comment: In summary, the available evidence is currently insufficient to determine the role of this variant in disease. Therefore, it has been classified as a Variant of Uncertain Significance. Advanced modeling of protein sequence and biophysical properties (such as structural, functional, and spatial information, amino acid conservation, physicochemical variation, residue mobility, and thermodynamic stability) performed at Invitae indicates that this missense variant is not expected to disrupt ALAS2 protein function. This variant has not been reported in the literature in individuals affected with ALAS2-related conditions. This variant is present in population databases (rs746092559, gnomAD no frequency). This sequence change replaces leucine, which is neutral and non-polar, with valine, which is neutral and non-polar, at codon 489 of the ALAS2 protein (p.Leu489Val).

NM_000032.5(ALAS2):c.1465C>G (p.Leu489Val)

Gene: ALAS2 (5'-aminolevulinate synthase 2; minus strand). Cytogenetic location: Xp11.21.
Variant type: single nucleotide variant.
Coding change: c.1465C>G on transcript NM_000032.5 (MANE Select); coding-DNA position 1465, C replaced by G.
Protein change: p.Leu489Val; replaces leucine 489 with valine.
Molecular consequence: missense variant.
Genome position (GRCh38, 1-based): chrX:55,013,621, G>C on the plus strand (C>G on the coding strand, the complement: ALAS2 is on the minus strand). VCF-style: chrX-55013621-G-C. GRCh37 (hg19) VCF-style: chrX-55040054-G-C.
Other names: c.1354C>G, p.Leu452Val (NM_001037967.4); c.1426C>G, p.Leu476Val (NM_001037968.4); c.1465C>G (NM_000032.4); short protein forms L489V, L452V, L476V.
Identifiers: ClinVar variation 2969270 (VCV002969270.4), dbSNP rs746092559, ClinGen allele CA10428283.
Genomic context (GRCh38, chrX:55,013,621, plus strand): 5'-CAGTTGGGTAGTTGATGGCCTGCACATAGATGCCATGCTTGGAGAGCAGGAGATCACAGA[G>C]CTTGCTGTTGAGTGCTGCATTGCCCACCTGGACTCAGGAGAAAGGCTAATCAGTACCTGC-3'
Protein context (NP_000023.2, residues 479-499): RVGNAALNSK[Leu489Val]CDLLLSKHGI